The following is an entry in ClinVar:

NM_001330260.2(SCN8A):c.3552G>A (p.Trp1184Ter)

Gene: SCN8A (sodium voltage-gated channel alpha subunit 8; plus strand). Cytogenetic location: 12q13.13.
Variant type: single nucleotide variant.
Coding change: c.3552G>A on transcript NM_001330260.2 (MANE Select); coding-DNA position 3552, G replaced by A.
Protein change: p.Trp1184Ter; replaces tryptophan 1184 with a stop codon.
Molecular consequence: nonsense.
Genome position (GRCh38, 1-based): chr12:51,770,590, G>A. VCF-style: chr12-51770590-G-A. GRCh37 (hg19) VCF-style: chr12-52164374-G-A.
Other names: c.3552G>A, p.Trp1184Ter (NM_001177984.3, NM_001369788.1, NM_014191.4); short protein forms W1184*.
Identifiers: ClinVar variation 3239378 (VCV003239378.20), dbSNP rs1555226371.

ClinVar aggregate classification (germline): Pathogenic/Likely pathogenic. Review status: criteria provided, multiple submitters, no conflicts (2 of 4 stars). 2 submissions from 2 submitters: Pathogenic (1); Likely pathogenic (1). Last evaluated 2024-09-17.

Conditions:
SCN8A-related disorder.

Submissions (2):

Blueprint Genetics
Classification: Likely pathogenic for SCN8A-related disorders. Last evaluated: 2024-09-17. Review status: criteria provided, single submitter. Criteria: ACMG Guidelines, 2015. Collection method: clinical testing. Allele origin: germline. Affected: yes. Observed: 1 variant allele.

CeGaT Center for Human Genetics Tuebingen
Classification: Pathogenic. Last evaluated: 2024-05-01. Review status: criteria provided, single submitter. Criteria: CeGaT Center For Human Genetics Tuebingen Variant Classification Criteria Version 2. Collection method: clinical testing. Allele origin: germline. Affected: yes. Observed: 1 variant allele.
Comment: SCN8A: PVS1, PM2, PS2:Moderate, PS4:Supporting